The following is an entry in ClinVar:

ClinVar aggregate classification (germline): Uncertain significance (1 of 4 stars; one submission).

Submission:

Labcorp Genetics (formerly Invitae), Labcorp
Classification: Uncertain significance. Last evaluated: 2022-06-26. Review status: criteria provided, single submitter. Criteria: Invitae Variant Classification Sherloc (09022015). Collection method: clinical testing. Allele origin: germline.
Comment: This sequence change replaces alanine, which is neutral and non-polar, with threonine, which is neutral and polar, at codon 1140 of the PCARE protein (p.Ala1140Thr). In summary, the available evidence is currently insufficient to determine the role of this variant in disease. Therefore, it has been classified as a Variant of Uncertain Significance. Algorithms developed to predict the effect of missense changes on protein structure and function output the following: SIFT: "Tolerated"; PolyPhen-2: "Benign"; Align-GVGD: "Class C0". The threonine amino acid residue is found in multiple mammalian species, which suggests that this missense change does not adversely affect protein function. This variant has not been reported in the literature in individuals affected with PCARE-related conditions. This variant is not present in population databases (gnomAD no frequency).

NM_001029883.3(PCARE):c.3418G>A (p.Ala1140Thr)

Gene: PCARE (photoreceptor cilium actin regulator; minus strand). Cytogenetic location: 2p23.2.
Variant type: single nucleotide variant.
Coding change: c.3418G>A on transcript NM_001029883.3 (MANE Select); coding-DNA position 3418, G replaced by A.
Protein change: p.Ala1140Thr; replaces alanine 1140 with threonine.
Molecular consequence: missense variant.
Genome position (GRCh38, 1-based): chr2:29,070,844, C>T on the plus strand (G>A on the coding strand, the complement: PCARE is on the minus strand). VCF-style: chr2-29070844-C-T. GRCh37 (hg19) VCF-style: chr2-29293710-C-T.
Other names: short protein forms A1140T.
Identifiers: ClinVar variation 2007752 (VCV002007752.4), dbSNP rs2465273283, ClinGen allele CA346474970.